The following is an entry in ClinVar:

ClinVar aggregate classification (germline): Conflicting classifications of pathogenicity. Review status: criteria provided, conflicting classifications (1 of 4 stars). 4 submissions from 4 submitters: Uncertain significance (1); Likely benign (1). 2 of the submissions do not count toward it. Last evaluated 2023-12-12.

Conditions:
COL4A3-related disorder. Also called: COL4A3-related condition; COL4A3-Related Disorders.
Alport syndrome. Also called: Hemorrhagic familial nephritis; Hemorrhagic hereditary nephritis; Congenital hereditary hematuria. Identifiers: Orphanet 63, MedGen C1567741, MONDO:0018965.

Allele frequency attached by ClinVar (database versions not stated): gnomAD 0.00002; gnomAD exomes 0.00002 and 0.00004; TOPMed 0.00002; ExAC 0.00003.
gnomAD v4.1: 67 of 1,613,866 alleles (0.0042%); highest among the groups gnomAD compares: Middle Eastern, 0.016%; no homozygotes.

Submissions (4):

Labcorp Genetics (formerly Invitae), Labcorp
Classification: Likely benign. Last evaluated: 2023-12-12. Review status: criteria provided, single submitter. Criteria: Invitae Variant Classification Sherloc (09022015). Collection method: clinical testing. Allele origin: germline.

Illumina Laboratory Services, Illumina
Classification: Uncertain significance for Alport syndrome. Last evaluated: 2018-01-12. Review status: criteria provided, single submitter. Criteria: ICSL Variant Classification Criteria 13 December 2019. Collection method: clinical testing. Allele origin: germline.

PreventionGenetics, part of Exact Sciences
Classification: Likely benign for COL4A3-related condition. Last evaluated: 2020-09-21. Review status: no assertion criteria provided. Collection method: clinical testing. Allele origin: germline. Not counted in ClinVar's aggregate classification.
Comment: This variant is classified as likely benign based on ACMG/AMP sequence variant interpretation guidelines (Richards et al. 2015 PMID: 25741868, with internal and published modifications).

Natera, Inc.
Classification: Uncertain significance for Alport syndrome. Last evaluated: 2020-08-24. Review status: no assertion criteria provided. Collection method: clinical testing. Allele origin: germline. Not counted in ClinVar's aggregate classification.

NM_000091.5(COL4A3):c.468+9T>C

Genes: COL4A3 (collagen type IV alpha 3 chain; plus strand), MFF-DT (MFF divergent transcript; minus strand). Cytogenetic location: 2q36.3.
Variant type: single nucleotide variant.
Coding change: c.468+9T>C on transcript NM_000091.5 (MANE Select); 9 bases into the intron after coding-DNA position 468, T replaced by C.
Molecular consequence: intron variant.
Genome position (GRCh38, 1-based): chr2:227,247,593, T>C. VCF-style: chr2-227247593-T-C. GRCh37 (hg19) VCF-style: chr2-228112309-T-C.
Identifiers: ClinVar variation 799467 (VCV000799467.17), dbSNP rs754471166, ClinGen allele CA2146143.
Genomic context (GRCh38, chr2:227,247,593, plus strand): 5'-TGTTCATAGGTTGCTTTTTTCCTAGGGTGCTGCTGGTTTGAAAGGACAAAAGGTAAGTCA[T>C]TGGTGGAATGCTGTCACTGAAAATCTCTAACTGTACATATGAAAAGGACGTCTATTAAAT-3'